The following is an entry in ClinVar:

NM_012156.2(EPB41L1):c.1245C>T (p.Pro415=)

Gene: EPB41L1 (erythrocyte membrane protein band 4.1 like 1; plus strand). Cytogenetic location: 20q11.23.
Variant type: single nucleotide variant.
Coding change: c.1245C>T on transcript NM_012156.2 (MANE Select); coding-DNA position 1245, C replaced by T.
Protein change: p.Pro415=; no amino-acid change (proline 415 retained).
Molecular consequence: synonymous variant.
Genome position (GRCh38, 1-based): chr20:36,190,742, C>T. VCF-style: chr20-36190742-C-T. GRCh37 (hg19) VCF-style: chr20-34778664-C-T.
Other names: c.1245C>T, p.Pro415= (NM_001258329.1); c.1152C>T, p.Pro384= (NM_001258330.1); c.1059C>T, p.Pro353= (NM_001258331.2, NM_177996.2).
Identifiers: ClinVar variation 402830 (VCV000402830.34), dbSNP rs77396561, ClinGen allele CA9839809.

ClinVar aggregate classification (germline): Benign/Likely benign. Review status: criteria provided, multiple submitters, no conflicts (2 of 4 stars). 5 submissions from 5 submitters: Benign (2); Likely benign (3). Last evaluated 2024-11-25.

Allele frequency attached by ClinVar (database versions not stated): gnomAD exomes 0.00081 and 0.00132; ExAC 0.00128; 1000 Genomes Project 0.00260; 1000 Genomes Project 30x 0.00328; gnomAD 0.00346 and 0.00373; ESP Exome Variant Server 0.00354; TOPMed 0.00398.
gnomAD v4.1: 1,814 of 1,614,218 alleles (0.11%); highest among the groups gnomAD compares: Middle Eastern, 1.3%; 5 homozygotes.

Submissions (5):

Blueprint Genetics
Classification: Likely benign. Last evaluated: 2024-11-25. Review status: criteria provided, single submitter. Criteria: ACMG Guidelines, 2015. Collection method: clinical testing. Allele origin: germline.

CeGaT Center for Human Genetics Tuebingen
Classification: Benign. Last evaluated: 2022-09-01. Review status: criteria provided, single submitter. Criteria: CeGaT Center For Human Genetics Tuebingen Variant Classification Criteria Version 2. Collection method: clinical testing. Allele origin: germline. Affected: yes. Observed: 2 variant alleles.
Comment: EPB41L1: BS1, BS2

Labcorp Genetics (formerly Invitae), Labcorp
Classification: Benign. Last evaluated: 2019-12-31. Review status: criteria provided, single submitter. Criteria: Invitae Variant Classification Sherloc (09022015). Collection method: clinical testing. Allele origin: germline.

Laboratory for Molecular Medicine, Mass General Brigham Personalized Medicine
Classification: Likely benign. Last evaluated: 2016-03-28. Review status: criteria provided, single submitter. Criteria: LMM Criteria. Collection method: clinical testing. Allele origin: germline.
Comment: Variant identified in a genome or exome case(s) and assessed due to predicted null impact of the variant or pathogenic assertions in the literature or databases. Disclaimer: This variant has not undergone full assessment. The following are preliminary notes: Silent, not in splice site, 0.9% African chromosomes in ExAC

Breakthrough Genomics
Classification: Likely benign. Review status: criteria provided, single submitter. Criteria: ACMG Guidelines, 2015. Collection method: not provided. Allele origin: germline. Inheritance: Autosomal dominant inheritance. Affected: yes.